The following is an entry in ClinVar:

ClinVar aggregate classification (germline): Uncertain significance (1 of 4 stars; one submission).

Conditions:
Developmental and epileptic encephalopathy, 1 (DEE1). Also called: X-linked infantile spasms; West's syndrome; Tonic spasms with clustering, arrest of psychomotor development and hypsarrhythmia on EEG; X-Linked Infantile Spasm Syndrome; OHTAHARA SYNDROME, X-LINKED; INFANTILE SPASM SYNDROME, X-LINKED 1. Identifiers: MedGen C3463992, MONDO:0010632, OMIM 308350. Disease mechanism: loss of function.

Submission:

Neuberg Centre For Genomic Medicine, NCGM
Classification: Uncertain significance for Developmental and epileptic encephalopathy, 1. Review status: criteria provided, single submitter. Criteria: ACMG Guidelines, 2015. Collection method: clinical testing. Allele origin: germline. Inheritance: X-linked inheritance. Affected: yes.
Comment: The stop gain variant c.1822C>T(p.Gln608Ter) has not been reported previously as a pathogenic variant nor as a benign variant, to our knowledge. The variant is novel (not in any individuals) in gnomAD Exomes and 1000 Genomes. REPS2 gene has been reported as a candidate gene in one of the West syndrome patients in a Chinese cohort (Peng J. et al., 2018). The gene is classified as gene of uncertain significance as there is limited evidence for the same. The variant has hence been classified as Uncertain Significance.

NM_004726.3(REPS2):c.1822C>T (p.Gln608Ter)

Gene: REPS2 (RALBP1 associated Eps domain containing 2; plus strand). Cytogenetic location: Xp22.2.
Variant type: single nucleotide variant.
Coding change: c.1822C>T on transcript NM_004726.3 (MANE Select); coding-DNA position 1822, C replaced by T.
Protein change: p.Gln608Ter; replaces glutamine 608 with a stop codon.
Molecular consequence: nonsense.
Genome position (GRCh38, 1-based): chrX:17,138,869, C>T. VCF-style: chrX-17138869-C-T. GRCh37 (hg19) VCF-style: chrX-17156992-C-T.
Other names: c.1819C>T, p.Gln607Ter (NM_001080975.2); short protein forms Q607*, Q608*.
Identifiers: ClinVar variation 2585446 (VCV002585446.1), dbSNP rs2519396028, ClinGen allele CA412480703.